The following is an entry in ClinVar:

ClinVar aggregate classification (germline): Conflicting classifications of pathogenicity. Review status: criteria provided, conflicting classifications (1 of 4 stars). 6 submissions from 6 submitters: Uncertain significance (5); Likely benign (1). Last evaluated 2026-01-09.

Conditions:
LAMA2-related muscular dystrophy (LAMA2-RD). Also called: Laminin alpha 2-related dystrophy. Identifiers: MedGen C5679788, MONDO:0100228.
Congenital muscular dystrophy due to partial LAMA2 deficiency. Identifiers: MedGen C1842898.

Allele frequency attached by ClinVar (database versions not stated): gnomAD exomes 0.00005 and 0.00006; gnomAD 0.00006 and 0.00007; ExAC 0.00007; TOPMed 0.00009; 1000 Genomes Project 0.00020; 1000 Genomes Project 30x 0.00031.
gnomAD v4.1: 88 of 1,612,094 alleles (0.0055%); highest among the groups gnomAD compares: Admixed American, 0.02%; no homozygotes.

Submissions (6):

Labcorp Genetics (formerly Invitae), Labcorp
Classification: Likely benign for LAMA2-related muscular dystrophy. Last evaluated: 2026-01-09. Review status: criteria provided, single submitter. Criteria: Invitae Variant Classification Sherloc (09022015). Collection method: clinical testing. Allele origin: germline.

Blueprint Genetics
Classification: Uncertain significance. Last evaluated: 2024-09-17. Review status: criteria provided, single submitter. Criteria: ACMG Guidelines, 2015. Collection method: clinical testing. Allele origin: germline.

Mayo Clinic Laboratories, Mayo Clinic
Classification: Uncertain significance. Last evaluated: 2022-12-23. Review status: criteria provided, single submitter. Criteria: ACMG Guidelines, 2015. Collection method: clinical testing. Allele origin: germline. Observed: 1 variant allele.
Comment: PM2

GeneDx
Classification: Uncertain significance. Last evaluated: 2022-04-26. Review status: criteria provided, single submitter. Criteria: GeneDx Variant Classification Process June 2021. Collection method: clinical testing. Allele origin: germline. Affected: yes.
Comment: In silico analysis supports that this missense variant has a deleterious effect on protein structure/function; Has not been previously published as pathogenic or benign to our knowledge

Revvity Omics, Revvity
Classification: Uncertain significance. Last evaluated: 2021-01-13. Review status: criteria provided, single submitter. Criteria: ACMG Guidelines, 2015. Collection method: clinical testing. Allele origin: germline.

Illumina Laboratory Services, Illumina
Classification: Uncertain significance for Congenital muscular dystrophy due to partial LAMA2 deficiency. Last evaluated: 2018-01-13. Review status: criteria provided, single submitter. Criteria: ICSL Variant Classification Criteria 13 December 2019. Collection method: clinical testing. Allele origin: germline.

Literature cited by the submitters: PubMed 33762593 (cited by Mayo Clinic Laboratories, Mayo Clinic).

NM_000426.4(LAMA2):c.6598C>T (p.Arg2200Cys)

Gene: LAMA2 (laminin subunit alpha 2; plus strand). Cytogenetic location: 6q22.33.
Variant type: single nucleotide variant.
Coding change: c.6598C>T on transcript NM_000426.4 (MANE Select); coding-DNA position 6598, C replaced by T.
Protein change: p.Arg2200Cys; replaces arginine 2200 with cysteine.
Molecular consequence: missense variant.
Genome position (GRCh38, 1-based): chr6:129,454,179, C>T. VCF-style: chr6-129454179-C-T. GRCh37 (hg19) VCF-style: chr6-129775324-C-T.
Other names: p.Arg2200Cys; c.6598C>T, p.Arg2200Cys (NM_001079823.2); short protein forms R2200C.
Identifiers: ClinVar variation 904789 (VCV000904789.13), dbSNP rs568648664, ClinGen allele CA3994315.